The following is an entry in ClinVar:

ClinVar aggregate classification (germline): Uncertain significance (1 of 4 stars; one submission).

Conditions:
Nephronophthisis 13 (NPHP13). Identifiers: Orphanet 655, MedGen C3280612, MONDO:0013718, OMIM 614377.

Submission:

MVZ Medizinische Genetik Mainz
Classification: Uncertain significance for Nephronophthisis 13. Last evaluated: 2025-11-12. Review status: criteria provided, single submitter. Criteria: UK Practice Guidelines For Variant Classification V4 01 2020. Collection method: clinical testing. Allele origin: germline. Inheritance: Autosomal recessive inheritance. Affected: yes. Observed: 1 variant allele.
Comment: ACMG Criteria: PM2_SUP,PM3_SUP

NM_025132.4(WDR19):c.412C>A (p.His138Asn)

Gene: WDR19 (WD repeat domain 19; plus strand). Cytogenetic location: 4p14.
Variant type: single nucleotide variant.
Coding change: c.412C>A on transcript NM_025132.4 (MANE Select); coding-DNA position 412, C replaced by A.
Protein change: p.His138Asn; replaces histidine 138 with asparagine.
Molecular consequence: missense variant. On other transcripts: 5 prime UTR variant (1).
Genome position (GRCh38, 1-based): chr4:39,199,483, C>A. VCF-style: chr4-39199483-C-A. GRCh37 (hg19) VCF-style: chr4-39201103-C-A.
Other names: c.-69C>A (NM_001317924.2); short protein forms H138N.
Identifiers: ClinVar variation 4532226 (VCV004532226.1).
Genomic context (GRCh38, chr4:39,199,483, plus strand): 5'-AGATTTTTTTCTTTGAGAAATCCACATGTCTGTATAAAAATAATCTCTTTTTCAGGAAAA[C>A]ATACTAAGAGAATCACTTGTGGATGTTGGAATGCAGAAAATCTGCTTGCTTTAGGTGGTG-3'
Protein context (NP_079408.3, residues 128-148): TSRKIPVLGK[His138Asn]TKRITCGCWN